The following is an entry in ClinVar:

ClinVar aggregate classification (germline): Uncertain significance (1 of 4 stars; one submission).

Submission:

Ambry Genetics
Classification: Uncertain significance. Last evaluated: 2025-05-27. Review status: criteria provided, single submitter. Criteria: Ambry Variant Classification Scheme 2023. Collection method: clinical testing. Allele origin: germline.
Comment: The p.R543W variant (also known as c.1627C>T), located in coding exon 7 of the WNK2 gene, results from a C to T substitution at nucleotide position 1627. The arginine at codon 543 is replaced by tryptophan, an amino acid with dissimilar properties. This amino acid position is conserved. In addition, this alteration is predicted to be deleterious by in silico analysis. Based on the available evidence, the clinical significance of this variant remains unclear.

NM_006648.4(WNK2):c.1627C>T (p.Arg543Trp)

Gene: WNK2 (WNK lysine deficient protein kinase 2; plus strand). Cytogenetic location: 9q22.31.
Variant type: single nucleotide variant.
Coding change: c.1627C>T on transcript NM_006648.4 (MANE Select); coding-DNA position 1627, C replaced by T.
Protein change: p.Arg543Trp; replaces arginine 543 with tryptophan.
Molecular consequence: missense variant.
Genome position (GRCh38, 1-based): chr9:93,247,627, C>T. VCF-style: chr9-93247627-C-T. GRCh37 (hg19) VCF-style: chr9-96009909-C-T.
Other names: c.1627C>T, p.Arg543Trp (NM_001282394.3); short protein forms R543W.
Identifiers: ClinVar variation 3982127 (VCV003982127.1).